The following is an entry in ClinVar:

NM_013266.4(CTNNA3):c.1894G>A (p.Glu632Lys)

Genes: CTNNA3 (catenin alpha 3; minus strand), CTNNA3-AS1 (CTNNA3 antisense RNA 1; plus strand). Cytogenetic location: 10q21.3.
Variant type: single nucleotide variant.
Coding change: c.1894G>A on transcript NM_013266.4 (MANE Select); coding-DNA position 1894, G replaced by A.
Protein change: p.Glu632Lys; replaces glutamic acid 632 with lysine.
Molecular consequence: missense variant.
Genome position (GRCh38, 1-based): chr10:66,103,240, C>T on the plus strand (G>A on the coding strand, the complement: CTNNA3 is on the minus strand). VCF-style: chr10-66103240-C-T. GRCh37 (hg19) VCF-style: chr10-67862998-C-T.
Other names: c.1894G>A, p.Glu632Lys (NM_001127384.3); c.1894G>A (NM_013266.2); short protein forms E632K.
Identifiers: ClinVar variation 409011 (VCV000409011.9), dbSNP rs1060502222, ClinGen allele CA16612820.

ClinVar aggregate classification (germline): Uncertain significance. Review status: criteria provided, multiple submitters, no conflicts (2 of 4 stars). 2 submissions from 2 submitters: Uncertain significance (2). Last evaluated 2026-06-09.

Conditions:
Arrhythmogenic right ventricular dysplasia 13. Also called: ARRHYTHMOGENIC RIGHT VENTRICULAR CARDIOMYOPATHY 13; Arrhythmogenic right ventricular dysplasia, familial, 13. Identifiers: MedGen C3810138, MONDO:0000908, OMIM 615616.

Allele frequency attached by ClinVar (database versions not stated): gnomAD exomes 0.00001; gnomAD 0.00001.
gnomAD v4.1: 19 of 1,613,346 alleles (0.0012%); highest among the groups gnomAD compares: East Asian, 0.0022%; no homozygotes.

Submissions (2):

Ambry Genetics
Classification: Uncertain significance. Last evaluated: 2026-06-09. Review status: criteria provided, single submitter. Criteria: Ambry Variant Classification Scheme 2023. Collection method: clinical testing. Allele origin: germline.
Comment: The p.E632K variant (also known as c.1894G>A), located in coding exon 13 of the CTNNA3 gene, results from a G to A substitution at nucleotide position 1894. The glutamic acid at codon 632 is replaced by lysine, an amino acid with similar properties. This amino acid position is conserved. In addition, the in silico prediction for this alteration is inconclusive. Based on the available evidence, the clinical significance of this variant remains unclear.

Labcorp Genetics (formerly Invitae), Labcorp
Classification: Uncertain significance for Arrhythmogenic right ventricular dysplasia 13. Last evaluated: 2022-06-17. Review status: criteria provided, single submitter. Criteria: Invitae Variant Classification Sherloc (09022015). Collection method: clinical testing. Allele origin: germline.
Comment: In summary, the available evidence is currently insufficient to determine the role of this variant in disease. Therefore, it has been classified as a Variant of Uncertain Significance. Algorithms developed to predict the effect of missense changes on protein structure and function are either unavailable or do not agree on the potential impact of this missense change (SIFT: "Deleterious"; PolyPhen-2: "Not Available"; Align-GVGD: "Class C0"). ClinVar contains an entry for this variant (Variation ID: 409011). This variant has not been reported in the literature in individuals affected with CTNNA3-related conditions. This variant is present in population databases (no rsID available, gnomAD 0.002%). This sequence change replaces glutamic acid, which is acidic and polar, with lysine, which is basic and polar, at codon 632 of the CTNNA3 protein (p.Glu632Lys).